The following is an entry in ClinVar:

NM_002838.5(PTPRC):c.1439C>G (p.Thr480Ser)

Gene: PTPRC (protein tyrosine phosphatase receptor type C; plus strand). Cytogenetic location: 1q32.1.
Variant type: single nucleotide variant.
Coding change: c.1439C>G on transcript NM_002838.5 (MANE Select); coding-DNA position 1439, C replaced by G.
Protein change: p.Thr480Ser; replaces threonine 480 with serine.
Molecular consequence: missense variant.
Genome position (GRCh38, 1-based): chr1:198,716,829, C>G. VCF-style: chr1-198716829-C-G. GRCh37 (hg19) VCF-style: chr1-198685958-C-G.
Other names: c.956C>G, p.Thr319Ser (NM_080921.4); short protein forms T319S, T480S.
Identifiers: ClinVar variation 1438827 (VCV001438827.6), dbSNP rs1410179985, ClinGen allele CA344037868.

ClinVar aggregate classification (germline): Uncertain significance (1 of 4 stars; one submission).

Conditions:
Immunodeficiency 104. Also called: Severe Combined Immune Deficiency, Autosomal Recessive, TCell -Negative, B Cell-Positive, NK Cell-Positive, IL7R-Related; Severe combined immunodeficiency, autosomal recessive, T cell-negative, B cell-positive, NK cell-positive; IMMUNODEFICIENCY 104, SEVERE COMBINED; SCID, AUTOSOMAL RECESSIVE, T CELL-NEGATIVE, B CELL-POSITIVE, NK CELL-POSITIVE. Identifiers: MedGen C5676890, MONDO:0012163, OMIM 608971.

Allele frequency attached by ClinVar (database versions not stated): gnomAD exomes below 0.00001 and 0.00001; TOPMed below 0.00001.
gnomAD v4.1: 6 of 1,613,574 alleles (0.00037%); highest among the groups gnomAD compares: Non-Finnish European, 0.00051%; no homozygotes.

Submission:

Labcorp Genetics (formerly Invitae), Labcorp
Classification: Uncertain significance for Immunodeficiency 104. Last evaluated: 2022-02-04. Review status: criteria provided, single submitter. Criteria: Invitae Variant Classification Sherloc (09022015). Collection method: clinical testing. Allele origin: germline.
Comment: This sequence change replaces threonine, which is neutral and polar, with serine, which is neutral and polar, at codon 480 of the PTPRC protein (p.Thr480Ser). This variant is present in population databases (no rsID available, gnomAD 0.002%). This variant has not been reported in the literature in individuals affected with PTPRC-related conditions. Algorithms developed to predict the effect of missense changes on protein structure and function (SIFT, PolyPhen-2, Align-GVGD) all suggest that this variant is likely to be disruptive. Algorithms developed to predict the effect of sequence changes on RNA splicing suggest that this variant may create or strengthen a splice site. In summary, the available evidence is currently insufficient to determine the role of this variant in disease. Therefore, it has been classified as a Variant of Uncertain Significance.